The following is an entry in ClinVar:

ClinVar aggregate classification (germline): Uncertain significance (1 of 4 stars; one submission).

Conditions:
Cardiovascular phenotype. Identifiers: MedGen CN230736.

Submission:

Ambry Genetics
Classification: Uncertain significance for Cardiovascular phenotype. Last evaluated: 2024-07-30. Review status: criteria provided, single submitter. Criteria: Ambry Variant Classification Scheme 2023. Collection method: clinical testing. Allele origin: germline.
Comment: The p.I1321M variant (also known as c.3963C>G), located in coding exon 2 of the ZNF469 gene, results from a C to G substitution at nucleotide position 3963. The isoleucine at codon 1321 is replaced by methionine, an amino acid with highly similar properties. This amino acid position is conserved. In addition, this alteration is predicted to be tolerated by in silico analysis. Based on the available evidence, the clinical significance of this variant remains unclear.

NM_001367624.2(ZNF469):c.4047C>G (p.Ile1349Met)

Gene: ZNF469 (zinc finger protein 469; plus strand). Cytogenetic location: 16q24.2.
Variant type: single nucleotide variant.
Coding change: c.4047C>G on transcript NM_001367624.2 (MANE Select); coding-DNA position 4047, C replaced by G.
Protein change: p.Ile1349Met; replaces isoleucine 1349 with methionine.
Molecular consequence: missense variant.
Genome position (GRCh38, 1-based): chr16:88,431,517, C>G. VCF-style: chr16-88431517-C-G. GRCh37 (hg19) VCF-style: chr16-88497925-C-G.
Other names: NM_001127464.1:c.3963C>G; short protein forms I1349M.
Identifiers: ClinVar variation 3476173 (VCV003476173.1).